The following is an entry in ClinVar:

NM_000497.4(CYP11B1):c.1343G>C (p.Arg448Pro)

Genes: CYP11B1 (cytochrome P450 family 11 subfamily B member 1; minus strand), LOC106799833 (CYP11B1 recombination region; plus strand). Cytogenetic location: 8q24.3.
Variant type: single nucleotide variant.
Coding change: c.1343G>C on transcript NM_000497.4 (MANE Select); coding-DNA position 1343, G replaced by C.
Protein change: p.Arg448Pro; replaces arginine 448 with proline.
Molecular consequence: missense variant. On other transcripts: intron variant (1).
Genome position (GRCh38, 1-based): chr8:142,875,012, C>G on the plus strand (G>C on the coding strand, the complement: CYP11B1 is on the minus strand). VCF-style: chr8-142875012-C-G. GRCh37 (hg19) VCF-style: chr8-143956428-C-G.
Other names: c.1200+222G>C (NM_001026213.1); short protein forms R448P.
Identifiers: ClinVar variation 1030831 (VCV001030831.2), dbSNP rs28934586, ClinGen allele CA372391454.

ClinVar aggregate classification (germline): Pathogenic. Review status: criteria provided, multiple submitters, no conflicts (2 of 4 stars). 2 submissions from 2 submitters: Pathogenic (2). Last evaluated 2024-03-29.

Conditions:
Deficiency of steroid 11-beta-monooxygenase (CYP11B1). Also called: ADRENAL HYPERPLASIA, CONGENITAL, DUE TO STEROID 11-BETA-HYDROXYLASE DEFICIENCY; STEROID 11-BETA-HYDROXYLASE DEFICIENCY; 11-BETA-HYDROXYLASE DEFICIENCY; P450C11B1 DEFICIENCY; Congenital adrenal hyperplasia due to 11-beta-hydroxylase deficiency; ADRENAL HYPERPLASIA IV. Identifiers: Orphanet 90795, MedGen C0268292, MONDO:0008729, OMIM 202010. Disease mechanism: loss of function.
Glucocorticoid-remediable aldosteronism. Also called: Hyperaldosteronism, familial, type I; ACTH-DEPENDENT HYPERALDOSTERONISM SYNDROME; ALDOSTERONISM, SENSITIVE TO DEXAMETHASONE; FH I; GLUCOCORTICOID-SUPPRESSIBLE HYPERALDOSTERONISM. Identifiers: Orphanet 403, MedGen C3838731, MONDO:0007080, OMIM 103900.

Submissions (2):

Genomic Medicine Center of Excellence, King Faisal Specialist Hospital and Research Centre
Classification: Pathogenic for Glucocorticoid-remediable aldosteronism. Last evaluated: 2024-03-29. Review status: criteria provided, single submitter. Criteria: ACMG Guidelines, 2015. Collection method: clinical testing. Allele origin: germline.

Baylor Genetics
Classification: Pathogenic for Deficiency of steroid 11-beta-monooxygenase. Last evaluated: 2019-11-04. Review status: criteria provided, single submitter. Criteria: ACMG Guidelines, 2015. Collection method: clinical testing. Allele origin: unknown. Affected: yes.
Comment: This variant was determined to be pathogenic according to ACMG Guidelines, 2015 [PMID:25741868].